The following is an entry in ClinVar:

NM_000478.6(ALPL):c.1436A>G (p.Tyr479Cys)

Gene: ALPL (alkaline phosphatase, biomineralization associated; plus strand). Cytogenetic location: 1p36.12.
Variant type: single nucleotide variant.
Coding change: c.1436A>G on transcript NM_000478.6 (MANE Select); coding-DNA position 1436, A replaced by G.
Protein change: p.Tyr479Cys; replaces tyrosine 479 with cysteine.
Molecular consequence: missense variant.
Genome position (GRCh38, 1-based): chr1:21,577,509, A>G. VCF-style: chr1-21577509-A-G. GRCh37 (hg19) VCF-style: chr1-21904002-A-G.
Other names: c.1271A>G, p.Tyr424Cys (NM_001127501.4); c.1205A>G, p.Tyr402Cys (NM_001177520.3); c.1436A>G, p.Tyr479Cys (NM_001369803.2, NM_001369804.2, NM_001369805.2); short protein forms Y402C, Y424C, Y479C.
Identifiers: ClinVar variation 2664864 (VCV002664864.3), dbSNP rs1235350055, ClinGen allele CA338882199.

ClinVar aggregate classification (germline): Conflicting classifications of pathogenicity. Review status: criteria provided, conflicting classifications (1 of 4 stars). 3 submissions from 3 submitters: Pathogenic (1); Likely pathogenic (1); Uncertain significance (1). Last evaluated 2025-11-03.

Conditions:
Hypophosphatasia. Also called: Phosphoethanol-aminuria. Identifiers: Orphanet 436, MedGen C0020630, MeSH D007014, MONDO:0018570.

Allele frequency attached by ClinVar (database versions not stated): gnomAD 0.00001; gnomAD exomes 0.00001; TOPMed 0.00001.

Submissions (3):

Labcorp Genetics (formerly Invitae), Labcorp
Classification: Pathogenic. Last evaluated: 2025-11-03. Review status: criteria provided, single submitter. Criteria: Invitae Variant Classification Sherloc (09022015). Collection method: clinical testing. Allele origin: germline.
Comment: This sequence change replaces tyrosine, which is neutral and polar, with cysteine, which is neutral and slightly polar, at codon 479 of the ALPL protein (p.Tyr479Cys). This variant is not present in population databases (gnomAD no frequency). This missense change has been observed in individual(s) with clinical features of hypophosphatasia (PMID: 31600233; internal data). ClinVar contains an entry for this variant (Variation ID: 2664864). Invitae Evidence Modeling of protein sequence and biophysical properties (such as structural, functional, and spatial information, amino acid conservation, physicochemical variation, residue mobility, and thermodynamic stability) indicates that this missense variant is expected to disrupt ALPL protein function with a positive predictive value of 95%. For these reasons, this variant has been classified as Pathogenic.

Genomenon, Inc
Classification: Uncertain significance for Hypophosphatasia. Last evaluated: 2025-08-29. Review status: criteria provided, single submitter. Criteria: Genomenon Sequence Variant Interpretation Standards. Collection method: curation. Allele origin: germline. Affected: yes.
Comment: ALPL Tyr479Cys (c.1436A>G) is a missense variant that changes the amino acid at residue 479 from Tyrosine to Cysteine. This variant has been observed in at least one proband affected with hypophosphatasia (PMID:30049651). It is absent or not present at a significant frequency in gnomAD. In silico models agree that this variant is possibly or probably damaging. In conclusion, we classify ALPL p.Tyr479Cys (c.1436A>G) as a variant of unknown significance.

JKU Lab, Dept of Paediatrics, Johannes Kepler University
Classification: Likely pathogenic for Hypophosphatasia. Last evaluated: 2022-12-13. Review status: criteria provided, single submitter. Criteria: ACMG Guidelines, 2015. Collection method: clinical testing. Allele origin: germline. Affected: yes. Observed: 1 compound heterozygote.
Comment: Absent in GnomAD.

Literature cited by the submitters: PubMed 31600233 (cited by Labcorp Genetics (formerly Invitae), Labcorp and JKU Lab, Dept of Paediatrics, Johannes Kepler University); PubMed 30049651 (cited by Genomenon, Inc).